The following is an entry in ClinVar:

ClinVar aggregate classification (germline): Likely benign. Review status: criteria provided, multiple submitters, no conflicts (2 of 4 stars). 2 submissions from 2 submitters: Likely benign (2). Last evaluated 2026-01-25.

Conditions:
Brachyolmia-amelogenesis imperfecta syndrome. Also called: PLATYSPONDYLY WITH AMELOGENESIS IMPERFECTA; Tooth agenesis, selective, 6; Dental anomalies and short stature. Identifiers: Orphanet 2899, MedGen C1832594, MONDO:0011018, OMIM 601216. Disease mechanism: loss of function.

Allele frequency attached by ClinVar (database versions not stated): gnomAD exomes 0.00002; ExAC 0.00003; gnomAD 0.00003 and 0.00004; TOPMed 0.00001.

Submissions (2):

Labcorp Genetics (formerly Invitae), Labcorp
Classification: Likely benign for Brachyolmia-amelogenesis imperfecta syndrome. Last evaluated: 2026-01-25. Review status: criteria provided, single submitter. Criteria: Invitae Variant Classification Sherloc (09022015). Collection method: clinical testing. Allele origin: germline.

CeGaT Center for Human Genetics Tuebingen
Classification: Likely benign. Last evaluated: 2023-05-01. Review status: criteria provided, single submitter. Criteria: CeGaT Center For Human Genetics Tuebingen Variant Classification Criteria Version 2. Collection method: clinical testing. Allele origin: germline. Affected: yes. Observed: 1 variant allele.
Comment: LTBP3: BP4

NM_001130144.3(LTBP3):c.2725+7G>A

Gene: LTBP3 (latent transforming growth factor beta binding protein 3; minus strand). Cytogenetic location: 11q13.1.
Variant type: single nucleotide variant.
Coding change: c.2725+7G>A on transcript NM_001130144.3 (MANE Select); 7 bases into the intron after coding-DNA position 2725, G replaced by A.
Molecular consequence: intron variant.
Genome position (GRCh38, 1-based): chr11:65,541,593, C>T on the plus strand (G>A on the coding strand, the complement: LTBP3 is on the minus strand). VCF-style: chr11-65541593-C-T. GRCh37 (hg19) VCF-style: chr11-65309064-C-T.
Other names: c.2374+7G>A (NM_001164266.1); c.2725+7G>A (NM_021070.4).
Identifiers: ClinVar variation 1528201 (VCV001528201.32), dbSNP rs753230377, ClinGen allele CA6100519.
Genomic context (GRCh38, chr11:65,541,593, plus strand): 5'-TCTCTGAATCCCAGCTGCAGCTCAGGGGAGTTGTCCAGTCCGAGGGAGGAGCTGGGAGGA[C>T]ACTCACCCTCACAACCGTGCTGGTCCTGGGTGGGAGTGAAGCCCTCATCGCAGACACACA-3'